The following is an entry in ClinVar:

ClinVar aggregate classification (germline): Likely pathogenic (0 of 4 stars; one submission).

Conditions:
KMT2D-related disorder. Also called: KMT2D-Related Disorders.

Submission:

PreventionGenetics, part of Exact Sciences
Classification: Likely pathogenic for KMT2D-related condition. Last evaluated: 2024-09-17. Review status: no assertion criteria provided. Collection method: clinical testing. Allele origin: germline.
Comment: The KMT2D c.11143delC variant is predicted to result in a frameshift and premature protein termination (p.Leu3715Phefs*34). To our knowledge, this variant has not been reported in the literature or in a large population database, indicating this variant is rare. Frameshift variants in KMT2D are expected to be pathogenic. This variant is interpreted as likely pathogenic.

NM_003482.4(KMT2D):c.11143del (p.Leu3715fs)

Gene: KMT2D (lysine methyltransferase 2D; minus strand). Cytogenetic location: 12q13.12.
Variant type: Deletion.
Coding change: c.11143del on transcript NM_003482.4 (MANE Select); coding-DNA position 11143, one base deleted (C; older notation c.11143delC).
Protein change: p.Leu3715fs; shifts the reading frame from leucine 3715.
Molecular consequence: frameshift variant.
Genome position (GRCh38, 1-based): chr12:49,033,562, G deleted on the plus strand (C on the coding strand, the reverse complement: KMT2D is on the minus strand). VCF-style (leftmost placement, unchanged base first): chr12-49033561-AG-A. GRCh37 (hg19) VCF-style: chr12-49427344-AG-A.
Other names: short protein forms L3715fs.
Identifiers: ClinVar variation 3345730 (VCV003345730.1).